The following is an entry in ClinVar:

ClinVar aggregate classification (germline): Uncertain significance (1 of 4 stars; one submission).

Conditions:
Primary ciliary dyskinesia. Also called: Ciliary dyskinesia. Identifiers: Orphanet 244, MedGen C0008780, MONDO:0016575, HP:0012265.

Submission:

Department of Human Genetics, Hannover Medical School
Classification: Uncertain significance for Primary Ciliary Dyskinesia. Last evaluated: 2026-04-01. Review status: criteria provided, single submitter. Criteria: ACMG Guidelines, 2015. Collection method: research. Allele origin: germline. Affected: no.
Comment: Classification performed by HerediClassify using the following criteria:['PM2_supporting: Variant occures does not occur as homozygous in gnomAD.', 'PVS1_protein_moderate: Transcript ENST00000374877 is not predicted to undergo NMD. Protein length change of -0.014563106796116498 observed.', "PP4_supporting: The modified PICADAR socre of 2.0 exceeds threshold of 2 achieving 'supporting' evidence strength."]

NM_017950.4(CCDC40):c.2832+283_2832+284insACACGGGACGCGCG

Gene: CCDC40 (coiled-coil domain 40 molecular ruler complex subunit; plus strand). Cytogenetic location: 17q25.3.
Variant type: Insertion.
Coding change: c.2832+283_2832+284insACACGGGACGCGCG on transcript NM_017950.4 (MANE Select); bases 283 to 284 of the intron after coding-DNA position 2832, ACACGGGACGCGCG inserted.
Molecular consequence: intron variant. On other transcripts: frameshift variant (1).
Genome position: GRCh38 VCF-style: chr17-80090167-A-AACACGGGACGCGCG. GRCh37 (hg19) VCF-style: chr17-78063966-A-AACACGGGACGCGCG.
Other names: c.2861_2862insACACGGGACGCGCG, p.His954fs (NM_001243342.2); short protein forms H954fs.
Identifiers: ClinVar variation 4880145 (VCV004880145.1).